The following is an entry in ClinVar:

NM_002734.5(PRKAR1A):c.436A>G (p.Arg146Gly)

Gene: PRKAR1A (protein kinase cAMP-dependent type I regulatory subunit alpha; plus strand). Cytogenetic location: 17q24.2.
Variant type: single nucleotide variant.
Coding change: c.436A>G on transcript NM_002734.5 (MANE Select); coding-DNA position 436, A replaced by G.
Protein change: p.Arg146Gly; replaces arginine 146 with glycine.
Molecular consequence: missense variant.
Genome position (GRCh38, 1-based): chr17:68,523,812, A>G. VCF-style: chr17-68523812-A-G. GRCh37 (hg19) VCF-style: chr17-66519953-A-G.
Other names: c.436A>G, p.Arg146Gly (NM_001276289.2, NM_001276290.1, NM_001278433.2 and 4 more transcripts); short protein forms R146G.
Identifiers: ClinVar variation 861600 (VCV000861600.9), dbSNP rs2085693669, ClinGen allele CA400752743.

ClinVar aggregate classification (germline): Uncertain significance (1 of 4 stars; one submission).

Conditions:
Carney complex, type 1 (CNC1). Also called: CARNEY MYXOMA-ENDOCRINE COMPLEX; CARNEY COMPLEX, TYPE I. Identifiers: Orphanet 1359, MedGen C2607929, MONDO:0008057, OMIM 160980.

Submission:

Labcorp Genetics (formerly Invitae), Labcorp
Classification: Uncertain significance for Carney complex, type 1. Last evaluated: 2022-02-10. Review status: criteria provided, single submitter. Criteria: Invitae Variant Classification Sherloc (09022015). Collection method: clinical testing. Allele origin: germline.
Comment: This variant is not present in population databases (gnomAD no frequency). This sequence change replaces arginine, which is basic and polar, with glycine, which is neutral and non-polar, at codon 146 of the PRKAR1A protein (p.Arg146Gly). This variant has not been reported in the literature in individuals affected with PRKAR1A-related conditions. ClinVar contains an entry for this variant (Variation ID: 861600). Algorithms developed to predict the effect of missense changes on protein structure and function are either unavailable or do not agree on the potential impact of this missense change (SIFT: "Deleterious"; PolyPhen-2: "Benign"; Align-GVGD: "Class C0"). In summary, the available evidence is currently insufficient to determine the role of this variant in disease. Therefore, it has been classified as a Variant of Uncertain Significance.